The following is an entry in ClinVar:

ClinVar aggregate classification (germline): Benign (1 of 4 stars; one submission).

Allele frequency attached by ClinVar (database versions not stated): gnomAD 0.28166 and 0.28699; TOPMed 0.29211; 1000 Genomes Project 0.38039; 1000 Genomes Project 30x 0.38601.
gnomAD v4.1: 142,289 of 586,702 alleles (24%); highest among the groups gnomAD compares: East Asian, 46%; 20,115 homozygotes.

Submission:

GeneDx
Classification: Benign. Last evaluated: 2018-06-18. Review status: criteria provided, single submitter. Criteria: GeneDx Variant Classification (06012015). Collection method: clinical testing. Allele origin: germline. Affected: yes.
Comment: This variant is considered likely benign or benign based on one or more of the following criteria: it is a conservative change, it occurs at a poorly conserved position in the protein, it is predicted to be benign by multiple in silico algorithms, and/or has population frequency not consistent with disease.

NM_001035.3(RYR2):c.8129+147C>T

Gene: RYR2 (ryanodine receptor 2; plus strand). Cytogenetic location: 1q43.
Variant type: single nucleotide variant.
Coding change: c.8129+147C>T on transcript NM_001035.3 (MANE Select); 147 bases into the intron after coding-DNA position 8129, C replaced by T.
Molecular consequence: intron variant.
Genome position (GRCh38, 1-based): chr1:237,656,131, C>T. VCF-style: chr1-237656131-C-T. GRCh37 (hg19) VCF-style: chr1-237819431-C-T.
Identifiers: ClinVar variation 672098 (VCV000672098.1), dbSNP rs589806, ClinGen allele CA15146007.